The following is an entry in ClinVar:

Conditions:
Breast-ovarian cancer, familial, susceptibility to, 1 (BROVCA1). Also called: BRCA1 Hereditary Breast and Ovarian Cancer; OVARIAN CANCER, SUSCEPTIBILITY TO. Identifiers: Orphanet 145, MedGen C2676676, MONDO:0011450, OMIM 604370. Disease mechanism: loss of function.

Submission:

Brotman Baty Institute, University of Washington
No classification provided (evidence only). Condition: Breast-ovarian cancer, familial 1. Review status: no classification provided. Collection method: in vitro. Allele origin: not applicable. Functional consequence: functionally_normal.
ClinVar note: "not provided" was previously submitted as the classification for the variant. However, the classification appeared to be based only on an observation of functional data so it was converted to no classification on 2025-07-30.

NM_007294.4(BRCA1):c.5244T>C (p.Gly1748=)

Gene: BRCA1 (BRCA1 DNA repair associated; minus strand). Cytogenetic location: 17q21.31.
Variant type: single nucleotide variant.
Coding change: c.5244T>C on transcript NM_007294.4 (MANE Select); coding-DNA position 5244, T replaced by C.
Protein change: p.Gly1748=; no amino-acid change (glycine 1748 retained).
Molecular consequence: synonymous variant.
Genome position (GRCh38, 1-based): chr17:43,057,085, A>G on the plus strand (T>C on the coding strand, the complement: BRCA1 is on the minus strand). VCF-style: chr17-43057085-A-G. GRCh37 (hg19) VCF-style: chr17-41209102-A-G.
Other names: c.5103T>C, p.Gly1701= (NM_001407728.1, NM_001407729.1, NM_001407730.1 and 13 more transcripts); c.5100T>C, p.Gly1700= (NM_001407732.1, NM_001407733.1, NM_001407734.1 and 21 more transcripts); c.5097T>C, p.Gly1699= (NM_001407838.1, NM_001407839.1, NM_001407841.1 and 12 more transcripts); c.5244T>C, p.Gly1748= (NM_001407854.1, NM_001407593.1, NM_001407594.1 and 7 more transcripts); c.5241T>C, p.Gly1747= (NM_001407858.1, NM_001407859.1, NM_001407860.1 and 17 more transcripts); c.5238T>C, p.Gly1746= (NM_001407861.1, NM_001407627.1, NM_001407628.1 and 14 more transcripts); c.5043T>C, p.Gly1681= (NM_001407862.1); c.5040T>C, p.Gly1680= (NM_001407863.1); and 72 more.
Identifiers: ClinVar variation 868219 (VCV000868219.3), dbSNP rs2051509086, ClinGen allele CA500144651.